The following is an entry in ClinVar:

ClinVar aggregate classification (germline): Uncertain significance. Review status: criteria provided, multiple submitters, no conflicts (2 of 4 stars). 2 submissions from 2 submitters: Uncertain significance (2). Last evaluated 2026-09-01.

Conditions:
Hypophosphatasia. Also called: Phosphoethanol-aminuria. Identifiers: Orphanet 436, MedGen C0020630, MeSH D007014, MONDO:0018570.

Allele frequency attached by ClinVar (database versions not stated): TOPMed 0.00002.
gnomAD v4.1: 2 of 1,604,752 alleles (0.00012%); highest among the groups gnomAD compares: African/African-American, 0.0013%; no homozygotes.

Submissions (2):

Genomenon, Inc
Classification: Uncertain significance for Hypophosphatasia. Last evaluated: 2026-09-01. Review status: criteria provided, single submitter. Criteria: Genomenon Sequence Variant Interpretation Standards - Updated. Collection method: curation. Allele origin: germline. Affected: yes.
Comment: ALPL p.Gly495Arg (c.1483G>C) is a missense variant that changes the amino acid at codon 495 from Glycine to Arginine. This variant has been observed in at least one proband affected with an ALPL-related disorder (PMID:34633109). It is absent or not present at a significant frequency in gnomAD. In silico models predict that this variant is not damaging. In conclusion, we classify ALPL p.Gly495Arg (c.1483G>C) as a variant of uncertain significance.

Labcorp Genetics (formerly Invitae), Labcorp
Classification: Uncertain significance. Last evaluated: 2021-08-30. Review status: criteria provided, single submitter. Criteria: Invitae Variant Classification Sherloc (09022015). Collection method: clinical testing. Allele origin: germline.

Literature cited by the submitters: PubMed 34633109 (cited by Genomenon, Inc).

NM_000478.6(ALPL):c.1483G>C (p.Gly495Arg)

Gene: ALPL (alkaline phosphatase, biomineralization associated; plus strand). Cytogenetic location: 1p36.12.
Variant type: single nucleotide variant.
Coding change: c.1483G>C on transcript NM_000478.6 (MANE Select); coding-DNA position 1483, G replaced by C.
Protein change: p.Gly495Arg; replaces glycine 495 with arginine.
Molecular consequence: missense variant.
Genome position (GRCh38, 1-based): chr1:21,577,556, G>C. VCF-style: chr1-21577556-G-C. GRCh37 (hg19) VCF-style: chr1-21904049-G-C.
Other names: c.1318G>C, p.Gly440Arg (NM_001127501.4); c.1252G>C, p.Gly418Arg (NM_001177520.3); c.1483G>C, p.Gly495Arg (NM_001369803.2, NM_001369804.2, NM_001369805.2); short protein forms G440R, G418R, G495R.
Identifiers: ClinVar variation 1046478 (VCV001046478.5), dbSNP rs761079751, ClinGen allele CA666864.